The following is an entry in ClinVar:

NM_001256545.2(MEGF10):c.2742C>A (p.His914Gln)

Gene: MEGF10 (multiple EGF like domains 10; plus strand). Cytogenetic location: 5q23.2.
Variant type: single nucleotide variant.
Coding change: c.2742C>A on transcript NM_001256545.2 (MANE Select); coding-DNA position 2742, C replaced by A.
Protein change: p.His914Gln; replaces histidine 914 with glutamine.
Molecular consequence: missense variant.
Genome position (GRCh38, 1-based): chr5:127,447,570, C>A. VCF-style: chr5-127447570-C-A. GRCh37 (hg19) VCF-style: chr5-126783262-C-A.
Other names: c.2742C>A, p.His914Gln (NM_032446.3); short protein forms H914Q.
Identifiers: ClinVar variation 1309454 (VCV001309454.2), dbSNP rs2127029173, ClinGen allele CA360735066.

ClinVar aggregate classification (germline): Uncertain significance (1 of 4 stars; one submission).

Allele frequency attached by ClinVar (database versions not stated): gnomAD exomes below 0.00001.
gnomAD v4.1: 3 of 1,614,106 alleles (0.00019%); highest among the groups gnomAD compares: Non-Finnish European, 0.00025%; no homozygotes.

Submission:

GeneDx
Classification: Uncertain significance. Last evaluated: 2019-10-22. Review status: criteria provided, single submitter. Criteria: GeneDx Variant Classification Process June 2021. Collection method: clinical testing. Allele origin: germline. Affected: yes.
Comment: Not observed in large population cohorts (Lek et al., 2016); In silico analysis, which includes protein predictors and evolutionary conservation, supports that this variant does not alter protein structure/function; Has not been previously published as pathogenic or benign to our knowledge